The following is an entry in ClinVar:

ClinVar aggregate classification (germline): Conflicting classifications of pathogenicity. Review status: criteria provided, conflicting classifications (1 of 4 stars). 2 submissions from 2 submitters: Uncertain significance (1); Likely benign (1). Last evaluated 2026-09-02.

Conditions:
Inborn genetic diseases. Identifiers: MedGen C0950123, MeSH D030342.
Episodic ataxia type 2 (EA2). Also called: ATAXIA, EPISODIC, WITH NYSTAGMUS; ATAXIA, FAMILIAL PAROXYSMAL; CEREBELLAR ATAXIA, PAROXYSMAL, ACETAZOLAMIDE-RESPONSIVE; CEREBELLOPATHY, HEREDITARY PAROXYSMAL; EPISODIC ATAXIA, NYSTAGMUS-ASSOCIATED; ACETAZOLAMIDE-RESPONSIVE HEREDITARY PAROXYSMAL CEREBELLAR ATAXIA. Identifiers: Orphanet 97, MedGen C1720416, MONDO:0007163, OMIM 108500.
Developmental and epileptic encephalopathy, 42 (DEE42A). Also called: DEVELOPMENTAL AND EPILEPTIC ENCEPHALOPATHY 42A; EPILEPTIC ENCEPHALOPATHY, EARLY INFANTILE, 42A; Epileptic encephalopathy, early infantile, 42. Identifiers: MedGen C4310716, MONDO:0014917, OMIM 617106.

Allele frequency attached by ClinVar (database versions not stated): gnomAD exomes below 0.00001; gnomAD 0.00003 and 0.00004; TOPMed 0.00001.
gnomAD v4.1: 8 of 1,594,062 alleles (0.0005%); highest among the groups gnomAD compares: African/African-American, 0.0041%; no homozygotes.

Submissions (2):

Ambry Genetics
Classification: Likely benign for Inborn genetic diseases. Last evaluated: 2026-09-02. Review status: criteria provided, single submitter. Criteria: Ambry Variant Classification Scheme 2023. Collection method: clinical testing. Allele origin: germline.

Labcorp Genetics (formerly Invitae), Labcorp
Classification: Uncertain significance for Developmental and epileptic encephalopathy, 42; Episodic ataxia type 2. Last evaluated: 2025-02-12. Review status: criteria provided, single submitter. Criteria: Invitae Variant Classification Sherloc (09022015). Collection method: clinical testing. Allele origin: germline.
Comment: This sequence change replaces arginine, which is basic and polar, with tryptophan, which is neutral and slightly polar, at codon 544 of the CACNA1A protein (p.Arg544Trp). The frequency data for this variant in the population databases is considered unreliable, as metrics indicate poor data quality at this position in the gnomAD database. This variant has not been reported in the literature in individuals affected with CACNA1A-related conditions. ClinVar contains an entry for this variant (Variation ID: 1519388). Invitae Evidence Modeling of protein sequence and biophysical properties (such as structural, functional, and spatial information, amino acid conservation, physicochemical variation, residue mobility, and thermodynamic stability) has been performed for this missense variant. However, the output from this modeling did not meet the statistical confidence thresholds required to predict the impact of this variant on CACNA1A protein function. In summary, the available evidence is currently insufficient to determine the role of this variant in disease. Therefore, it has been classified as a Variant of Uncertain Significance.

Literature cited by the submitters: PubMed 27652284 (cited by Ambry Genetics); PubMed 38743163 (cited by Ambry Genetics).

NM_001127222.2(CACNA1A):c.1627C>T (p.Arg543Trp)

Gene: CACNA1A (calcium voltage-gated channel subunit alpha1 A; minus strand). Cytogenetic location: 19p13.13.
Variant type: single nucleotide variant.
Coding change: c.1627C>T on transcript NM_001127222.2 (MANE Select); coding-DNA position 1627, C replaced by T.
Protein change: p.Arg543Trp; replaces arginine 543 with tryptophan.
Molecular consequence: missense variant.
Genome position (GRCh38, 1-based): chr19:13,312,710, G>A on the plus strand (C>T on the coding strand, the complement: CACNA1A is on the minus strand). VCF-style: chr19-13312710-G-A. GRCh37 (hg19) VCF-style: chr19-13423524-G-A.
Other names: c.1630C>T, p.Arg544Trp (NM_000068.4, NM_001127221.2, NM_001174080.2 and 1 more transcripts); c.1630C>T (NM_001127221.1); short protein forms R543W, R544W.
Identifiers: ClinVar variation 1519388 (VCV001519388.9), dbSNP rs1349147232, ClinGen allele CA404345370.
Genomic context (GRCh38, chr19:13,312,710, plus strand): 5'-TAGAAACAAGAGCACTTACCCCACAGTCAAAGCAGTTGAAGGAAGAGTGGAAGTAAGGCC[G>A]CGTCCCAAGCCCGTACATTTTTATAAACATTTCGGACATAAAGAGTCCTAAGAAAATGAA-3'
Protein context (NP_001120694.1, residues 533-553): MFIKMYGLGT[Arg543Trp]PYFHSSFNCF